The following is an entry in ClinVar:

NM_002868.4(RAB5B):c.606T>C (p.His202=)

Gene: RAB5B (RAB5B, member RAS oncogene family; plus strand). Cytogenetic location: 12q13.2.
Variant type: single nucleotide variant.
Coding change: c.606T>C on transcript NM_002868.4 (MANE Select); coding-DNA position 606, T replaced by C.
Protein change: p.His202=; no amino-acid change (histidine 202 retained).
Molecular consequence: synonymous variant.
Genome position (GRCh38, 1-based): chr12:55,992,170, T>C. VCF-style: chr12-55992170-T-C. GRCh37 (hg19) VCF-style: chr12-56385954-T-C.
Other names: c.606T>C, p.His202= (NM_001252036.2, NM_001414457.1); c.483T>C, p.His161= (NM_001252037.2); c.849T>C, p.His283= (NM_001414458.1).
Identifiers: ClinVar variation 2643065 (VCV002643065.24), dbSNP rs772548927, ClinGen allele CA6620806.

ClinVar aggregate classification (germline): Likely benign (1 of 4 stars; one submission).

Allele frequency attached by ClinVar (database versions not stated): ExAC 0.00001; gnomAD 0.00001; TOPMed 0.00001.
gnomAD v4.1: 5 of 1,613,988 alleles (0.00031%); highest among the groups gnomAD compares: African/African-American, 0.004%; no homozygotes.

Submission:

CeGaT Center for Human Genetics Tuebingen
Classification: Likely benign. Last evaluated: 2022-06-01. Review status: criteria provided, single submitter. Criteria: CeGaT Center For Human Genetics Tuebingen Variant Classification Criteria Version 2. Collection method: clinical testing. Allele origin: germline. Affected: yes. Observed: 1 variant allele.
Comment: RAB5B: BP4, BP7